The following is an entry in ClinVar:

ClinVar aggregate classification (germline): Uncertain significance. Review status: criteria provided, multiple submitters, no conflicts (2 of 4 stars). 2 submissions from 2 submitters: Uncertain significance (2). Last evaluated 2025-06-15.

Conditions:
Cardiovascular phenotype. Identifiers: MedGen CN230736.
Desmin-related myofibrillar myopathy (MFM1). Also called: Desminopathy; Desmin related myopathy (former name); Desmin storage myopathy (former name); MYOFIBRILLAR MYOPATHY WITH ARRHYTHMOGENIC RIGHT VENTRICULAR CARDIOMYOPATHY; DESMIN-RELATED MYOPATHY WITH ARRHYTHMOGENIC RIGHT VENTRICULAR CARDIOMYOPATHY; Myofibrillar myopathy 1. Identifiers: Orphanet 363543, Orphanet 98909, MedGen C1832370, MONDO:0011076, OMIM 601419.

Allele frequency attached by ClinVar (database versions not stated): gnomAD exomes 0.00001.
gnomAD v4.1: 10 of 1,614,028 alleles (0.00062%); highest among the groups gnomAD compares: Non-Finnish European, 0.00085%; no homozygotes.

Submissions (2):

Labcorp Genetics (formerly Invitae), Labcorp
Classification: Uncertain significance for Desmin-related myofibrillar myopathy. Last evaluated: 2025-06-15. Review status: criteria provided, single submitter. Criteria: Invitae Variant Classification Sherloc (09022015). Collection method: clinical testing. Allele origin: germline.
Comment: This sequence change replaces arginine, which is basic and polar, with glycine, which is neutral and non-polar, at codon 275 of the DES protein (p.Arg275Gly). This variant is not present in population databases (gnomAD no frequency). This missense change has been observed in individual(s) with dilated cardiomyopathy (PMID: 25163546). ClinVar contains an entry for this variant (Variation ID: 1368704). Invitae Evidence Modeling of protein sequence and biophysical properties (such as structural, functional, and spatial information, amino acid conservation, physicochemical variation, residue mobility, and thermodynamic stability) has been performed for this missense variant. However, the output from this modeling did not meet the statistical confidence thresholds required to predict the impact of this variant on DES protein function. In summary, the available evidence is currently insufficient to determine the role of this variant in disease. Therefore, it has been classified as a Variant of Uncertain Significance.

Ambry Genetics
Classification: Uncertain significance for Cardiovascular phenotype. Last evaluated: 2022-09-20. Review status: criteria provided, single submitter. Criteria: Ambry Variant Classification Scheme 2023. Collection method: clinical testing. Allele origin: germline.
Comment: The p.R275G variant (also known as c.823A>G), located in coding exon 4 of the DES gene, results from an A to G substitution at nucleotide position 823. The arginine at codon 275 is replaced by glycine, an amino acid with dissimilar properties. This alteration has been reported in dilated cardiomyopathy (DCM) cohorts; however, clinical details were limited (Haas J et al. Eur Heart J, 2015 May;36:1123-35a; Horvat C et al. Genet Med, 2019 01;21:133-143). This amino acid position is highly conserved in available vertebrate species. In addition, this alteration is predicted to be deleterious by in silico analysis. Since supporting evidence is limited at this time, the clinical significance of this alteration remains unclear.

Literature cited by the submitters: PubMed 25163546 (cited by Labcorp Genetics (formerly Invitae), Labcorp and Ambry Genetics); PubMed 29892087 (cited by Ambry Genetics).

NM_001927.4(DES):c.823A>G (p.Arg275Gly)

Gene: DES (desmin; plus strand). Cytogenetic location: 2q35.
Variant type: single nucleotide variant.
Coding change: c.823A>G on transcript NM_001927.4 (MANE Select); coding-DNA position 823, A replaced by G.
Protein change: p.Arg275Gly; replaces arginine 275 with glycine.
Molecular consequence: missense variant. On other transcripts: intron variant (1).
Genome position (GRCh38, 1-based): chr2:219,420,582, A>G. VCF-style: chr2-219420582-A-G. GRCh37 (hg19) VCF-style: chr2-220285304-A-G.
Other names: c.820A>G, p.Arg274Gly (NM_001382708.1); c.823A>G, p.Arg275Gly (NM_001382710.1, NM_001382711.1, NM_001382712.1); c.553A>G, p.Arg185Gly (NM_001382713.1); c.735+236A>G (NM_001382709.1); short protein forms R185G, R274G, R275G.
Identifiers: ClinVar variation 1368704 (VCV001368704.10), dbSNP rs994389035, ClinGen allele CA65982767.
Genomic context (GRCh38, chr2:219,420,582, plus strand): 5'-CAGGAACAGCAGGTCCAGGTGGAGATGGACATGTCTAAGCCAGACCTCACTGCCGCCCTC[A>G]GGGACATCCGGGCTCAGTATGAGACCATCGCGGCTAAGAACATTTCTGAAGCTGAGGAGT-3'
Protein context (NP_001918.3, residues 265-285): MSKPDLTAAL[Arg275Gly]DIRAQYETIA